The following is an entry in ClinVar:

NM_019594.4(LRRC8A):c.1476T>C (p.Arg492=)

Gene: LRRC8A (leucine rich repeat containing 8 VRAC subunit A; plus strand). Cytogenetic location: 9q34.11.
Variant type: single nucleotide variant.
Coding change: c.1476T>C on transcript NM_019594.4 (MANE Select); coding-DNA position 1476, T replaced by C.
Protein change: p.Arg492=; no amino-acid change (arginine 492 retained).
Molecular consequence: synonymous variant. On other transcripts: no sequence alteration (1).
Genome position (GRCh38, 1-based): chr9:128,908,640, T>C. VCF-style: chr9-128908640-T-C. GRCh37 (hg19) VCF-style: chr9-131670919-T-C.
Other names: c.1476T>C, p.Arg492= (NM_001127244.2, NM_001127245.2); c.1476T>C (NM_019594.3).
Identifiers: ClinVar variation 403061 (VCV000403061.16), dbSNP rs3750319, ClinGen allele CA5270889.

ClinVar aggregate classification (germline): Benign. Review status: criteria provided, multiple submitters, no conflicts (2 of 4 stars). 4 submissions from 4 submitters: Benign (4). Last evaluated 2026-02-04.

Conditions:
Agammaglobulinemia 5, autosomal dominant (AGM5). Also called: AGAMMAGLOBULINEMIA, AUTOSOMAL DOMINANT, DUE TO LRRC8A DEFECT. Identifiers: MedGen C3150753, MONDO:0013290, OMIM 613506.

Allele frequency attached by ClinVar (database versions not stated): 1000 Genomes Project 30x 0.55809; 1000 Genomes Project 0.57109; ESP Exome Variant Server 0.58574; TOPMed 0.59544; gnomAD 0.60629 and 0.61146; ExAC 0.69438; gnomAD exomes 0.70362 and 0.70730.
gnomAD v4.1: 1,125,073 of 1,612,392 alleles (70%); highest among the groups gnomAD compares: Admixed American, 78%; 399,639 homozygotes.

Submissions (4):

Labcorp Genetics (formerly Invitae), Labcorp
Classification: Benign. Last evaluated: 2026-02-04. Review status: criteria provided, single submitter. Criteria: Invitae Variant Classification Sherloc (09022015). Collection method: clinical testing. Allele origin: germline.

Genome-Nilou Lab
Classification: Benign for Agammaglobulinemia 5, autosomal dominant. Last evaluated: 2021-08-19. Review status: criteria provided, single submitter. Criteria: ACMG Guidelines, 2015. Collection method: clinical testing. Allele origin: germline. Affected: no.

Laboratory for Molecular Medicine, Mass General Brigham Personalized Medicine
Classification: Benign. Last evaluated: 2016-03-29. Review status: criteria provided, single submitter. Criteria: LMM Criteria. Collection method: clinical testing. Allele origin: germline.
Comment: Variant identified in a genome or exome case(s) and assessed due to predicted null impact of the variant or pathogenic assertions in the literature or databases. Disclaimer: This variant has not undergone full assessment. The following are preliminary notes: Frequency

Breakthrough Genomics
Classification: Benign. Review status: criteria provided, single submitter. Criteria: ACMG Guidelines, 2015. Collection method: not provided. Allele origin: germline. Inheritance: Autosomal dominant inheritance. Affected: yes.